The following is an entry in ClinVar:

NM_007294.4(BRCA1):c.4960G>A (p.Val1654Met)

Gene: BRCA1 (BRCA1 DNA repair associated; minus strand). Cytogenetic location: 17q21.31.
Variant type: single nucleotide variant.
Coding change: c.4960G>A on transcript NM_007294.4 (MANE Select); coding-DNA position 4960, G replaced by A.
Protein change: p.Val1654Met; replaces valine 1654 with methionine.
Molecular consequence: missense variant. On other transcripts: non-coding transcript variant (1).
Genome position (GRCh38, 1-based): chr17:43,070,954, C>T on the plus strand (G>A on the coding strand, the complement: BRCA1 is on the minus strand). VCF-style: chr17-43070954-C-T. GRCh37 (hg19) VCF-style: chr17-41222971-C-T.
Other names: c.4747G>A, p.Val1583Met (NM_001407571.1, NM_001407894.1, NM_001407908.1 and 12 more transcripts); c.5026G>A, p.Val1676Met (NM_001407581.1, NM_001407582.1); c.5023G>A, p.Val1675Met (NM_001407583.1, NM_001407585.1, NM_001407587.1 and 1 more transcripts); c.5020G>A, p.Val1674Met (NM_001407590.1, NM_001407591.1); c.4960G>A, p.Val1654Met (NM_001407593.1, NM_001407594.1, NM_001407596.1 and 8 more transcripts); c.4957G>A, p.Val1653Met (NM_001407615.1, NM_001407616.1, NM_001407617.1 and 17 more transcripts); c.4954G>A, p.Val1652Met (NM_001407634.1, NM_001407635.1, NM_001407636.1 and 14 more transcripts); c.4879G>A, p.Val1627Met (NM_001407656.1, NM_001407657.1, NM_001407658.1); and 70 more; short protein forms V550M, V1654M, V1675M, V1607M, V1357M, V1527M, V1541M, V1565M.
Identifiers: ClinVar variation 865462 (VCV000865462.3), dbSNP rs2052362962, ClinGen allele CA10591605.

Conditions:
Breast-ovarian cancer, familial, susceptibility to, 1 (BROVCA1). Also called: BRCA1 Hereditary Breast and Ovarian Cancer; OVARIAN CANCER, SUSCEPTIBILITY TO. Identifiers: Orphanet 145, MedGen C2676676, MONDO:0011450, OMIM 604370. Disease mechanism: loss of function.

Submission:

Brotman Baty Institute, University of Washington
No classification provided (evidence only). Condition: Breast-ovarian cancer, familial 1. Review status: no classification provided. Collection method: in vitro. Allele origin: not applicable. Functional consequence: functionally_normal.
ClinVar note: "not provided" was previously submitted as the classification for the variant. However, the classification appeared to be based only on an observation of functional data so it was converted to no classification on 2025-07-30.